The following is an entry in ClinVar:

NM_002857.4(PEX19):c.46A>T (p.Arg16Trp)

Gene: PEX19 (peroxisomal biogenesis factor 19; minus strand). Cytogenetic location: 1q23.2.
Variant type: single nucleotide variant.
Coding change: c.46A>T on transcript NM_002857.4 (MANE Select); coding-DNA position 46, A replaced by T.
Protein change: p.Arg16Trp; replaces arginine 16 with tryptophan.
Molecular consequence: missense variant. On other transcripts: non-coding transcript variant (2).
Genome position (GRCh38, 1-based): chr1:160,285,079, T>A on the plus strand (A>T on the coding strand, the complement: PEX19 is on the minus strand). VCF-style: chr1-160285079-T-A. GRCh37 (hg19) VCF-style: chr1-160254869-T-A.
Other names: c.46A>T, p.Arg16Trp (NM_001193644.1); short protein forms R16W.
Identifiers: ClinVar variation 2414394 (VCV002414394.3), dbSNP rs781307310, ClinGen allele CA1197508.

ClinVar aggregate classification (germline): Uncertain significance (1 of 4 stars; one submission).

Conditions:
Peroxisome biogenesis disorder 12A (Zellweger). Also called: Peroxisome biogenesis disorder 12A. Identifiers: Orphanet 912, MedGen C3554002, MONDO:0013951, OMIM 614886.

Allele frequency attached by ClinVar (database versions not stated): gnomAD 0.00001; gnomAD exomes 0.00001; ExAC 0.00002; TOPMed 0.00002.

Submission:

Labcorp Genetics (formerly Invitae), Labcorp
Classification: Uncertain significance for Peroxisome biogenesis disorder 12A (Zellweger). Last evaluated: 2022-05-12. Review status: criteria provided, single submitter. Criteria: Invitae Variant Classification Sherloc (09022015). Collection method: clinical testing. Allele origin: germline.
Comment: This sequence change replaces arginine, which is basic and polar, with tryptophan, which is neutral and slightly polar, at codon 16 of the PEX19 protein (p.Arg16Trp). This variant is present in population databases (rs781307310, gnomAD 0.003%). This variant has not been reported in the literature in individuals affected with PEX19-related conditions. Algorithms developed to predict the effect of missense changes on protein structure and function are either unavailable or do not agree on the potential impact of this missense change (SIFT: "Deleterious"; PolyPhen-2: "Possibly Damaging"; Align-GVGD: "Class C0"). In summary, the available evidence is currently insufficient to determine the role of this variant in disease. Therefore, it has been classified as a Variant of Uncertain Significance.